The following is an entry in ClinVar:

NM_002350.4(LYN):c.1523A>T (p.Tyr508Phe)

Gene: LYN (LYN proto-oncogene, Src family tyrosine kinase; plus strand). Cytogenetic location: 8q12.1.
Variant type: single nucleotide variant.
Coding change: c.1523A>T on transcript NM_002350.4 (MANE Select); coding-DNA position 1523, A replaced by T.
Protein change: p.Tyr508Phe; replaces tyrosine 508 with phenylalanine.
Molecular consequence: missense variant.
Genome position (GRCh38, 1-based): chr8:56,010,094, A>T. VCF-style: chr8-56010094-A-T. GRCh37 (hg19) VCF-style: chr8-56922653-A-T.
Other names: c.1460A>T, p.Tyr487Phe (NM_001111097.3); short protein forms Y487F, Y508F.
Identifiers: ClinVar variation 1895416 (VCV001895416.4), dbSNP rs1585690632, ClinGen allele CA371277059.

ClinVar aggregate classification (germline): Pathogenic. Review status: no assertion criteria provided (0 of 4 stars). 2 submissions from 2 submitters: Pathogenic (2). Last evaluated 2023-05-16.

Conditions:
Autoinflammatory disease, systemic, with vasculitis (SAIDV). Also called: LAVLI SYNDROME. Identifiers: MedGen C5830525, MONDO:0957271, OMIM 620376.
LYN kinase associated vasculopathy and liver fibrosis syndrome.

Submissions (2):

OMIM
Classification: Pathogenic for AUTOINFLAMMATORY DISEASE, SYSTEMIC, WITH VASCULITIS. Last evaluated: 2023-05-16. Review status: no assertion criteria provided. Collection method: literature only. Allele origin: germline.

Translational Autoinflammatory Diseases Section, NIAID, NIH
Classification: Pathogenic for LYN kinase associated vasculopathy and liver fibrosis syndrome. Last evaluated: 2022-12-07. Review status: no assertion criteria provided. Collection method: research. Allele origin: de novo. Inheritance: Sporadic. Affected: yes. Observed: 1 variant allele.
Comment: Two other unrelated patients presented with similar clinical phenotypes and de novo variants that also affect Lyn Y508. Functional studies indicate the variant is gain-of-function.

Literature cited by the submitters: PubMed 36932076 (cited by OMIM).